The following is an entry in ClinVar:

ClinVar aggregate classification (germline): Uncertain significance. Review status: criteria provided, multiple submitters, no conflicts (2 of 4 stars). 2 submissions from 2 submitters: Uncertain significance (2). Last evaluated 2024-06-03.

Conditions:
Familial adenomatous polyposis 1 (FAP1). Also called: POLYPOSIS, ADENOMATOUS INTESTINAL; FAMILIAL ADENOMATOUS POLYPOSIS 1, ATTENUATED. Identifiers: MedGen C2713442, MONDO:0021056, OMIM 175100. Disease mechanism: loss of function.
Hereditary cancer-predisposing syndrome. Also called: Neoplastic Syndromes, Hereditary; Hereditary Cancer Syndrome; Tumor predisposition; Hereditary neoplastic syndrome. Identifiers: Orphanet 140162, MedGen C0027672, MeSH D009386, MONDO:0015356.

Submissions (2):

Labcorp Genetics (formerly Invitae), Labcorp
Classification: Uncertain significance for Familial adenomatous polyposis 1. Last evaluated: 2024-06-03. Review status: criteria provided, single submitter. Criteria: Invitae Variant Classification Sherloc (09022015). Collection method: clinical testing. Allele origin: germline.
Comment: This sequence change replaces threonine, which is neutral and polar, with lysine, which is basic and polar, at codon 2160 of the APC protein (p.Thr2160Lys). This variant is not present in population databases (gnomAD no frequency). This variant has not been reported in the literature in individuals affected with APC-related conditions. Advanced modeling of protein sequence and biophysical properties (such as structural, functional, and spatial information, amino acid conservation, physicochemical variation, residue mobility, and thermodynamic stability) performed at Invitae indicates that this missense variant is not expected to disrupt APC protein function with a negative predictive value of 95%. In summary, the available evidence is currently insufficient to determine the role of this variant in disease. Therefore, it has been classified as a Variant of Uncertain Significance.

Ambry Genetics
Classification: Uncertain significance for Hereditary cancer-predisposing syndrome. Last evaluated: 2024-03-14. Review status: criteria provided, single submitter. Criteria: Ambry Variant Classification Scheme 2023. Collection method: clinical testing. Allele origin: germline.
Comment: The p.T2160K variant (also known as c.6479C>A), located in coding exon 15 of the APC gene, results from a C to A substitution at nucleotide position 6479. The threonine at codon 2160 is replaced by lysine, an amino acid with similar properties. This amino acid position is conserved. In addition, in silico predictors for this gene do not accurately predict pathogenicity. Based on the available evidence, the clinical significance of this alteration remains unclear.

NM_000038.6(APC):c.6479C>A (p.Thr2160Lys)

Gene: APC (APC regulator of Wnt signaling pathway; plus strand). Cytogenetic location: 5q22.2.
Variant type: single nucleotide variant.
Coding change: c.6479C>A on transcript NM_000038.6 (MANE Select); coding-DNA position 6479, C replaced by A.
Protein change: p.Thr2160Lys; replaces threonine 2160 with lysine.
Molecular consequence: missense variant. On other transcripts: non-coding transcript variant (2).
Genome position (GRCh38, 1-based): chr5:112,842,073, C>A. VCF-style: chr5-112842073-C-A. GRCh37 (hg19) VCF-style: chr5-112177770-C-A.
Other names: c.6479C>A (NM_000038.5); c.6479C>A, p.Thr2160Lys (NM_001127510.3, NM_001354895.2, NM_001407450.1); c.6425C>A, p.Thr2142Lys (NM_001127511.3); c.6533C>A, p.Thr2178Lys (NM_001354896.2, NM_001407447.1, NM_001407448.1 and 1 more transcripts); c.6509C>A, p.Thr2170Lys (NM_001354897.2); c.6404C>A, p.Thr2135Lys (NM_001354898.2); c.6395C>A, p.Thr2132Lys (NM_001354899.2); c.6356C>A, p.Thr2119Lys (NM_001354900.2); and 12 more; short protein forms T2000K, T2132K, T2153K, T2160K, T2170K, T2031K, T2178K, T1877K.
Identifiers: ClinVar variation 2753771 (VCV002753771.4), dbSNP rs2149965805, ClinGen allele CA16035511.
Genomic context (GRCh38, chr5:112,842,073, plus strand): 5'-CAGGAATCTCTCTGGGATCACCATTTCATCTTACACCTGATCAAGAAGAAAAACCCTTTA[C>A]AAGTAATAAAGGCCCACGAATTCTAAAACCAGGGGAGAAAAGTACATTGGAAACTAAAAA-3'
Protein context (NP_000029.2, residues 2150-2170): LTPDQEEKPF[Thr2160Lys]SNKGPRILKP